The following is an entry in ClinVar:

NM_000053.4(ATP7B):c.911C>T (p.Ser304Phe)

Gene: ATP7B (ATPase copper transporting beta; minus strand). Cytogenetic location: 13q14.3.
Variant type: single nucleotide variant.
Coding change: c.911C>T on transcript NM_000053.4 (MANE Select); coding-DNA position 911, C replaced by T.
Protein change: p.Ser304Phe; replaces serine 304 with phenylalanine.
Molecular consequence: missense variant. On other transcripts: intron variant (1).
Genome position (GRCh38, 1-based): chr13:51,974,309, G>A on the plus strand (C>T on the coding strand, the complement: ATP7B is on the minus strand). VCF-style: chr13-51974309-G-A. GRCh37 (hg19) VCF-style: chr13-52548445-G-A.
Other names: c.911C>T (NM_000053.3); c.911C>T, p.Ser304Phe (NM_001005918.3, NM_001330578.2, NM_001330579.2); c.802+109C>T (NM_001243182.2); short protein forms S304F.
Identifiers: ClinVar variation 1369899 (VCV001369899.8), dbSNP rs571080835, ClinGen allele CA6989476.

ClinVar aggregate classification (germline): Uncertain significance. Review status: criteria provided, multiple submitters, no conflicts (2 of 4 stars). 6 submissions from 6 submitters: Uncertain significance (6). Last evaluated 2026-08-06.

Conditions:
Inborn genetic diseases. Identifiers: MedGen C0950123, MeSH D030342.
Wilson disease (WND). Also called: Wilson's disease. Identifiers: Orphanet 905, MedGen C0019202, MONDO:0010200, OMIM 277900. Disease mechanism: loss of function.

Allele frequency attached by ClinVar (database versions not stated): gnomAD exomes below 0.00001; ExAC 0.00001; gnomAD 0.00001; 1000 Genomes Project 30x 0.00016; 1000 Genomes Project 0.00020.
gnomAD v4.1: 7 of 1,614,154 alleles (0.00043%); highest among the groups gnomAD compares: African/African-American, 0.004%; no homozygotes.

Submissions (6):

OLLIN Analises Genomicas, OLLIN
Classification: Uncertain significance for Wilson disease. Last evaluated: 2026-08-06. Review status: criteria provided, single submitter. Criteria: ACMG Guidelines 2015 PMID 25741868. Collection method: clinical testing. Allele origin: germline. Inheritance: Autosomal recessive inheritance.
Comment: This missense variant, located in exon 2 (of 21), has been reported in ClinVar (accession VCV001369899.7) and in gnomAD with an allele frequency of 0.00043%. However, to our knowledge, it has not been reported in the scientific literature. In silico analysis is inconclusive regarding the impact of this variant. According to the currently available evidence, this variant has been classified as uncertain significance (PM2_P).

Ambry Genetics
Classification: Uncertain significance for Inborn genetic diseases. Last evaluated: 2025-08-19. Review status: criteria provided, single submitter. Criteria: Ambry Variant Classification Scheme 2023. Collection method: clinical testing. Allele origin: germline.
Comment: The p.S304F variant (also known as c.911C>T), located in coding exon 2 of the ATP7B gene, results from a C to T substitution at nucleotide position 911. The serine at codon 304 is replaced by phenylalanine, an amino acid with highly dissimilar properties. This amino acid position is conserved. In addition, this alteration is predicted to be tolerated by in silico analysis. Based on the available evidence, the clinical significance of this variant remains unclear.

GeneDx
Classification: Uncertain significance. Last evaluated: 2025-03-23. Review status: criteria provided, single submitter. Criteria: GeneDx Variant Classification Process June 2021. Collection method: clinical testing. Allele origin: germline. Affected: yes.
Comment: Not observed at significant frequency in large population cohorts (gnomAD); In silico analysis supports that this missense variant has a deleterious effect on protein structure/function; Has not been previously published as pathogenic or benign to our knowledge

All of Us Research Program, National Institutes of Health
Classification: Uncertain significance for Wilson disease. Last evaluated: 2024-08-06. Review status: criteria provided, single submitter. Criteria: ACMG Guidelines, 2015. Collection method: clinical testing. Allele origin: germline. Inheritance: Autosomal recessive inheritance. Observed: 6 variant alleles, 6 heterozygotes.
Comment: This missense variant replaces serine with phenylalanine at codon 304 of the ATP7B protein. Computational prediction suggests that this variant may not impact protein structure and function (internally defined REVEL score threshold <= 0.5, PMID: 27666373). To our knowledge, functional studies have not been reported for this variant. This variant has not been reported in individuals affected with ATP7B-related disorders in the literature. This variant has been identified in 1/249084 chromosomes in the general population by the Genome Aggregation Database (gnomAD). The available evidence is insufficient to determine the role of this variant in disease conclusively. Therefore, this variant is classified as a Variant of Uncertain Significance.

This study involves interpretation of variants in research participants for the purpose of population health screening. Participant phenotype was not available at the time of variant classification. Additional details can be found in publication PMID: 35346344, PMCID: PMC8962531

Color Diagnostics, LLC DBA Color Health
Classification: Uncertain significance for Wilson disease. Last evaluated: 2023-04-15. Review status: criteria provided, single submitter. Criteria: ACMG Guidelines, 2015. Collection method: clinical testing. Allele origin: germline.
Comment: This missense variant replaces serine with phenylalanine at codon 304 of the ATP7B protein. Computational prediction suggests that this variant may not impact protein structure and function. To our knowledge, functional studies have not been reported for this variant. This variant has not been reported in individuals affected with ATP7B-related disorders in the literature. This variant has been identified in 1/249084 chromosomes in the general population by the Genome Aggregation Database (gnomAD). The available evidence is insufficient to determine the role of this variant in disease conclusively. Therefore, this variant is classified as a Variant of Uncertain Significance.

Labcorp Genetics (formerly Invitae), Labcorp
Classification: Uncertain significance for Wilson disease. Last evaluated: 2022-08-22. Review status: criteria provided, single submitter. Criteria: Invitae Variant Classification Sherloc (09022015). Collection method: clinical testing. Allele origin: germline.
Comment: This sequence change replaces serine, which is neutral and polar, with phenylalanine, which is neutral and non-polar, at codon 304 of the ATP7B protein (p.Ser304Phe). This variant is present in population databases (rs571080835, gnomAD 0.007%). This variant has not been reported in the literature in individuals affected with ATP7B-related conditions. ClinVar contains an entry for this variant (Variation ID: 1369899). Advanced modeling of protein sequence and biophysical properties (such as structural, functional, and spatial information, amino acid conservation, physicochemical variation, residue mobility, and thermodynamic stability) performed at Invitae indicates that this missense variant is not expected to disrupt ATP7B protein function. In summary, the available evidence is currently insufficient to determine the role of this variant in disease. Therefore, it has been classified as a Variant of Uncertain Significance.